The following is an entry in ClinVar:

NM_001844.5(COL2A1):c.1366-21G>A

Gene: COL2A1 (collagen type II alpha 1 chain; minus strand). Cytogenetic location: 12q13.11.
Variant type: single nucleotide variant.
Coding change: c.1366-21G>A on transcript NM_001844.5 (MANE Select); 21 bases into the intron before coding-DNA position 1366, G replaced by A.
Molecular consequence: intron variant.
Genome position (GRCh38, 1-based): chr12:47,986,909, C>T on the plus strand (G>A on the coding strand, the complement: COL2A1 is on the minus strand). VCF-style: chr12-47986909-C-T. GRCh37 (hg19) VCF-style: chr12-48380692-C-T.
Other names: c.1159-21G>A (NM_033150.3).
Identifiers: ClinVar variation 4984908 (VCV004984908.1).

ClinVar aggregate classification (germline): Likely benign (1 of 4 stars; one submission).

Conditions:
COL2A1-related disorder. Also called: COL2A1-related condition; COL2A1-related disorders.

Submission:

PreventionGenetics, part of Exact Sciences
Classification: Likely benign for COL2A1-related condition. Last evaluated: 2025-07-21. Review status: criteria provided, single submitter. Criteria: ACMG Guidelines, 2015. Collection method: clinical testing. Allele origin: germline.
Comment: This variant is classified as likely benign based on ACMG/AMP sequence variant interpretation guidelines (Richards et al. 2015 PMID: 25741868, with internal and published modifications).